The following is an entry in ClinVar:

ClinVar aggregate classification (germline): Pathogenic. Review status: criteria provided, multiple submitters, no conflicts (2 of 4 stars). 3 submissions from 3 submitters: Pathogenic (3). Last evaluated 2022-03-15.

Conditions:
Neurofibromatosis, type 1 (NF1). Also called: VON RECKLINGHAUSEN DISEASE; NEUROFIBROMATOSIS, TYPE I, SOMATIC; Peripheral type neurofibromatosis; Neurofibromatosis, type I. Identifiers: Orphanet 636, MedGen C0027831, MONDO:0018975, OMIM 162200. Disease mechanism: loss of function.

Submissions (3):

Genome-Nilou Lab
Classification: Pathogenic for Neurofibromatosis, type 1. Last evaluated: 2022-03-15. Review status: criteria provided, single submitter. Criteria: ACMG Guidelines, 2015. Collection method: clinical testing. Allele origin: germline. Affected: no.

Genome Diagnostics Laboratory, The Hospital for Sick Children
Classification: Pathogenic for Neurofibromatosis, type 1. Last evaluated: 2020-10-26. Review status: criteria provided, single submitter. Criteria: ACMG Guidelines, 2015. Collection method: clinical testing. Allele origin: germline. Affected: yes.

Labcorp Genetics (formerly Invitae), Labcorp
Classification: Pathogenic for Neurofibromatosis, type 1. Last evaluated: 2017-10-30. Review status: criteria provided, single submitter. Criteria: Invitae Variant Classification Sherloc (09022015). Collection method: clinical testing. Allele origin: germline.
Comment: For these reasons, this variant has been classified as Pathogenic. Loss-of-function variants in NF1 are known to be pathogenic (PMID: 10712197, 23913538). This variant has not been reported in the literature in individuals with NF1-related disease. This variant is not present in population databases (ExAC no frequency). This sequence change creates a premature translational stop signal (p.Gly638*) in the NF1 gene. It is expected to result in an absent or disrupted protein product.

Literature cited by the submitters: PubMed 10712197 (cited by Labcorp Genetics (formerly Invitae), Labcorp); PubMed 23913538 (cited by Labcorp Genetics (formerly Invitae), Labcorp).

NM_001042492.3(NF1):c.1912G>T (p.Gly638Ter)

Gene: NF1 (neurofibromin 1; plus strand). Cytogenetic location: 17q11.2.
Variant type: single nucleotide variant.
Coding change: c.1912G>T on transcript NM_001042492.3 (MANE Select); coding-DNA position 1912, G replaced by T.
Protein change: p.Gly638Ter; replaces glycine 638 with a stop codon.
Molecular consequence: nonsense.
Genome position (GRCh38, 1-based): chr17:31,225,161, G>T. VCF-style: chr17-31225161-G-T. GRCh37 (hg19) VCF-style: chr17-29552179-G-T.
Other names: c.1912G>T, p.Gly638Ter (NM_000267.4); short protein forms G638*.
Identifiers: ClinVar variation 527439 (VCV000527439.9), dbSNP rs1555613567, ClinGen allele CA399005278.